The following is an entry in ClinVar:

NM_153741.2(DPM3):c.127G>A (p.Ala43Thr)

Gene: DPM3 (dolichyl-phosphate mannosyltransferase subunit 3, regulatory; minus strand). Cytogenetic location: 1q22.
Variant type: single nucleotide variant.
Coding change: c.127G>A on transcript NM_153741.2 (MANE Select); coding-DNA position 127, G replaced by A.
Protein change: p.Ala43Thr; replaces alanine 43 with threonine.
Molecular consequence: missense variant.
Genome position (GRCh38, 1-based): chr1:155,140,114, C>T on the plus strand (G>A on the coding strand, the complement: DPM3 is on the minus strand). VCF-style: chr1-155140114-C-T. GRCh37 (hg19) VCF-style: chr1-155112590-C-T.
Other names: c.217G>A, p.Ala73Thr (NM_018973.4); short protein forms A43T, A73T.
Identifiers: ClinVar variation 863136 (VCV000863136.8), dbSNP rs778766264, ClinGen allele CA1138426.

ClinVar aggregate classification (germline): Uncertain significance (1 of 4 stars; one submission).

Conditions:
DPM3-congenital disorder of glycosylation (MDDGC15). Also called: MUSCULAR DYSTROPHY-DYSTROGLYCANOPATHY (LIMB-GIRDLE), TYPE C, 15; CDG Io; CDG1(DPM3); DPM3-CDG. Identifiers: Orphanet 263494, MedGen C2752007, MONDO:0013049, OMIM 612937.

Allele frequency attached by ClinVar (database versions not stated): TOPMed 0.00001; gnomAD exomes 0.00002 and 0.00004; ExAC 0.00003.

Submission:

Labcorp Genetics (formerly Invitae), Labcorp
Classification: Uncertain significance for DPM3-congenital disorder of glycosylation. Last evaluated: 2025-10-01. Review status: criteria provided, single submitter. Criteria: Invitae Variant Classification Sherloc (09022015). Collection method: clinical testing. Allele origin: germline.
Comment: This sequence change replaces alanine, which is neutral and non-polar, with threonine, which is neutral and polar, at codon 43 of the DPM3 protein (p.Ala43Thr). This variant is present in population databases (rs778766264, gnomAD 0.03%). This variant has not been reported in the literature in individuals affected with DPM3-related conditions. ClinVar contains an entry for this variant (Variation ID: 863136). An algorithm developed to predict the effect of missense changes on protein structure and function (PolyPhen-2) suggests that this variant is likely to be tolerated. In summary, the available evidence is currently insufficient to determine the role of this variant in disease. Therefore, it has been classified as a Variant of Uncertain Significance.